The following is an entry in ClinVar:

ClinVar aggregate classification (germline): Likely benign. Review status: criteria provided, multiple submitters, no conflicts (2 of 4 stars). 4 submissions from 4 submitters: Likely benign (4). Last evaluated 2025-05-15.

Conditions:
Cardiovascular phenotype. Identifiers: MedGen CN230736.
Spinocerebellar ataxia type 19/22 (SCA19). Also called: SPINOCEREBELLAR ATAXIA 22; SPINOCEREBELLAR ATAXIA 19. Identifiers: Orphanet 98772, MedGen C1846367, MONDO:0011819, OMIM 607346.
Brugada syndrome 9 (BRGDA9). Identifiers: Orphanet 130, MedGen C4225340, MONDO:0014621, OMIM 616399.

Allele frequency attached by ClinVar (database versions not stated): TOPMed 0.00001; ExAC 0.00005; ESP Exome Variant Server 0.00015.
gnomAD v4.1: 46 of 1,614,042 alleles (0.0028%); highest among the groups gnomAD compares: Non-Finnish European, 0.0036%; no homozygotes.

Submissions (4):

Labcorp Genetics (formerly Invitae), Labcorp
Classification: Likely benign for Spinocerebellar ataxia type 19/22. Last evaluated: 2025-05-15. Review status: criteria provided, single submitter. Criteria: Invitae Variant Classification Sherloc (09022015). Collection method: clinical testing. Allele origin: germline.

CeGaT Center for Human Genetics Tuebingen
Classification: Likely benign. Last evaluated: 2022-08-01. Review status: criteria provided, single submitter. Criteria: CeGaT Center For Human Genetics Tuebingen Variant Classification Criteria Version 2. Collection method: clinical testing. Allele origin: germline. Affected: yes. Observed: 1 variant allele.
Comment: KCND3: BP4, BP7

Fulgent Genetics
Classification: Likely benign for Spinocerebellar ataxia type 19/22; Brugada syndrome 9. Last evaluated: 2021-09-15. Review status: criteria provided, single submitter. Criteria: ACMG Guidelines, 2015. Collection method: clinical testing. Allele origin: unknown.

Ambry Genetics
Classification: Likely benign for Cardiovascular phenotype. Last evaluated: 2020-03-11. Review status: criteria provided, single submitter. Criteria: Ambry Variant Classification Scheme 2023. Collection method: clinical testing. Allele origin: germline.

NM_001378969.1(KCND3):c.1041G>A (p.Ser347=)

Gene: KCND3 (potassium voltage-gated channel subfamily D member 3; minus strand). Cytogenetic location: 1p13.2.
Variant type: single nucleotide variant.
Coding change: c.1041G>A on transcript NM_001378969.1 (MANE Select); coding-DNA position 1041, G replaced by A.
Protein change: p.Ser347=; no amino-acid change (serine 347 retained).
Molecular consequence: synonymous variant.
Genome position (GRCh38, 1-based): chr1:111,981,686, C>T on the plus strand (G>A on the coding strand, the complement: KCND3 is on the minus strand). VCF-style: chr1-111981686-C-T. GRCh37 (hg19) VCF-style: chr1-112524308-C-T.
Other names: c.1041G>A, p.Ser347= (NM_001378970.1, NM_004980.5, NM_172198.3).
Identifiers: ClinVar variation 698131 (VCV000698131.48), dbSNP rs369361457, ClinGen allele CA1007526.